The following is an entry in ClinVar:

ClinVar aggregate classification (germline): Uncertain significance (1 of 4 stars; one submission).

Conditions:
Neuroblastoma, susceptibility to, 3. Also called: ALK-Related Neuroblastic Tumor Susceptibility. Identifiers: Orphanet 635, MedGen C2751681, MONDO:0013083, OMIM 613014.

Submission:

Labcorp Genetics (formerly Invitae), Labcorp
Classification: Uncertain significance for Neuroblastoma, susceptibility to, 3. Last evaluated: 2021-10-30. Review status: criteria provided, single submitter. Criteria: Invitae Variant Classification Sherloc (09022015). Collection method: clinical testing. Allele origin: germline.
Comment: This variant has not been reported in the literature in individuals affected with ALK-related conditions. This variant is present in population databases (no rsID available, gnomAD 0.0009%). This variant, c.4222_4227del, results in the deletion of 2 amino acid(s) of the ALK protein (p.Glu1408_Glu1409del), but otherwise preserves the integrity of the reading frame. Experimental studies and prediction algorithms are not available or were not evaluated, and the functional significance of this variant is currently unknown. In summary, the available evidence is currently insufficient to determine the role of this variant in disease. Therefore, it has been classified as a Variant of Uncertain Significance.

NM_004304.5(ALK):c.4216GAAGAG[1] (p.Glu1408_Glu1409del)

Gene: ALK (ALK receptor tyrosine kinase; minus strand). Cytogenetic location: 2p23.2.
Variant type: Microsatellite.
Coding change: c.4216GAAGAG[1] on transcript NM_004304.5 (MANE Select); one copy of the 6-base unit GAAGAG starting at c.4216; the reference has two copies in a row; one copy, 6 bases deleted.
Protein change: p.Glu1408_Glu1409del.
Molecular consequence: inframe deletion.
Genome position (GRCh38, 1-based): chr2:29,193,860-29,193,865, CTCTTC deleted on the plus strand (GAAGAG on the coding strand, the reverse complement: ALK is on the minus strand); deleting any 6 consecutive bases within chr2:29,193,860-29,193,872 gives the same sequence; the position shown is the placement nearest the transcript's 3' end. VCF-style (leftmost placement, unchanged base first): chr2-29193859-TCTCTTC-T. GRCh37 (hg19) VCF-style: chr2-29416725-TCTCTTC-T.
Other names: c.1012GAAGAG[1], p.Glu340_Glu341del (NM_001353765.2).
Identifiers: ClinVar variation 1348304 (VCV001348304.6), dbSNP rs1558604159, ClinGen allele CA531766825.